The following is an entry in ClinVar:

NM_005762.3(TRIM28):c.2440C>T (p.Pro814Ser)

Gene: TRIM28 (tripartite motif containing 28; plus strand). Cytogenetic location: 19q13.43.
Variant type: single nucleotide variant.
Coding change: c.2440C>T on transcript NM_005762.3 (MANE Select); coding-DNA position 2440, C replaced by T.
Protein change: p.Pro814Ser; replaces proline 814 with serine.
Molecular consequence: missense variant.
Genome position (GRCh38, 1-based): chr19:58,550,485, C>T. VCF-style: chr19-58550485-C-T. GRCh37 (hg19) VCF-style: chr19-59061852-C-T.
Other names: short protein forms P814S.
Identifiers: ClinVar variation 2574491 (VCV002574491.1), dbSNP rs760798367, ClinGen allele CA9719602.

ClinVar aggregate classification (germline): Uncertain significance (1 of 4 stars; one submission).

Allele frequency attached by ClinVar (database versions not stated): gnomAD exomes below 0.00001; TOPMed below 0.00001; ExAC 0.00001.
gnomAD v4.1: 1 of 1,613,062 alleles (0.000062%); highest among the groups gnomAD compares: Admixed American, 0.0017%; no homozygotes.

Submission:

GeneDx
Classification: Uncertain significance. Last evaluated: 2023-01-27. Review status: criteria provided, single submitter. Criteria: GeneDx Variant Classification Process June 2021. Collection method: clinical testing. Allele origin: germline. Affected: yes.
Comment: In silico analysis supports that this missense variant does not alter protein structure/function; Has not been previously published as pathogenic or benign to our knowledge